The following is an entry in ClinVar:

ClinVar aggregate classification (germline): Uncertain significance (1 of 4 stars; one submission).

Conditions:
Peroxisome biogenesis disorder 12A (Zellweger). Also called: Peroxisome biogenesis disorder 12A. Identifiers: Orphanet 912, MedGen C3554002, MONDO:0013951, OMIM 614886.

Allele frequency attached by ClinVar (database versions not stated): gnomAD exomes below 0.00001.

Submission:

Labcorp Genetics (formerly Invitae), Labcorp
Classification: Uncertain significance for Peroxisome biogenesis disorder 12A (Zellweger). Last evaluated: 2022-04-11. Review status: criteria provided, single submitter. Criteria: Invitae Variant Classification Sherloc (09022015). Collection method: clinical testing. Allele origin: germline.
Comment: Algorithms developed to predict the effect of missense changes on protein structure and function are either unavailable or do not agree on the potential impact of this missense change (SIFT: "Deleterious"; PolyPhen-2: "Probably Damaging"; Align-GVGD: "Class C0"). In summary, the available evidence is currently insufficient to determine the role of this variant in disease. Therefore, it has been classified as a Variant of Uncertain Significance. This variant has not been reported in the literature in individuals affected with PEX19-related conditions. This sequence change replaces cysteine, which is neutral and slightly polar, with tryptophan, which is neutral and slightly polar, at codon 128 of the PEX19 protein (p.Cys128Trp). This variant is not present in population databases (gnomAD no frequency).

NM_002857.4(PEX19):c.384C>G (p.Cys128Trp)

Gene: PEX19 (peroxisomal biogenesis factor 19; minus strand). Cytogenetic location: 1q23.2.
Variant type: single nucleotide variant.
Coding change: c.384C>G on transcript NM_002857.4 (MANE Select); coding-DNA position 384, C replaced by G.
Protein change: p.Cys128Trp; replaces cysteine 128 with tryptophan.
Molecular consequence: missense variant. On other transcripts: non-coding transcript variant (1).
Genome position (GRCh38, 1-based): chr1:160,282,465, G>C on the plus strand (C>G on the coding strand, the complement: PEX19 is on the minus strand). VCF-style: chr1-160282465-G-C. GRCh37 (hg19) VCF-style: chr1-160252255-G-C.
Other names: c.384C>G, p.Cys128Trp (NM_001193644.1); short protein forms C128W.
Identifiers: ClinVar variation 2124735 (VCV002124735.4), dbSNP rs2525313079, ClinGen allele CA343261680.